The following is an entry in ClinVar:

ClinVar aggregate classification (germline): Likely benign (1 of 4 stars; one submission).
ClinVar aggregate classification (somatic clinical impact): Tier II - Potential (1 of 4 stars; one submission).

Conditions:
Landau-Kleffner syndrome (FESD). Also called: EPILEPSY, FOCAL, WITH SPEECH DISORDER AND WITH OR WITHOUT MENTAL RETARDATION; APHASIA, ACQUIRED, WITH EPILEPSY. Identifiers: Orphanet 1945, Orphanet 725, Orphanet 98818, MedGen C0282512, MONDO:0009509, OMIM 245570.
Melanoma. Identifiers: MedGen C0025202, MeSH D008545, MONDO:0005105, HP:0002861.

Allele frequency attached by ClinVar (database versions not stated): TOPMed below 0.00001; ExAC 0.00001.
gnomAD v4.1: 5 of 1,614,038 alleles (0.00031%); highest among the groups gnomAD compares: South Asian, 0.0022%; no homozygotes.

Submissions (2):

Labcorp Genetics (formerly Invitae), Labcorp
Classification: Likely benign for Landau-Kleffner syndrome. Last evaluated: 2026-01-28. Review status: criteria provided, single submitter. Criteria: Invitae Variant Classification Sherloc (09022015). Collection method: clinical testing. Allele origin: germline.

Institute for Genomic Medicine (IGM) Clinical Laboratory, Nationwide Children's Hospital
Classification: Tier II - Potential for Melanoma. Assertion type: diagnostic. Clinical significance: supports diagnosis. Last evaluated: 2025-03-13. Review status: criteria provided, single submitter. Criteria: AMP/ASCO/CAP Guidelines, 2017. Collection method: clinical testing. Allele origin: somatic. Affected: yes.
Comment: Variant has Tier II (potential) clinical significance as a diagnostic inclusion criterion in melanoma, based on the following evidence: 1) Assists in diagnosis alone or along with other biomarkers based on small studies or few case reports (Evidence Level D; PMIDs: 25268584, 28097802, 21499247, 28356599).

Literature cited by the submitters: PubMed 25268584 (cited by Institute for Genomic Medicine (IGM) Clinical Laboratory, Nationwide Children's Hospital); PubMed 28097802 (cited by Institute for Genomic Medicine (IGM) Clinical Laboratory, Nationwide Children's Hospital); PubMed 21499247 (cited by Institute for Genomic Medicine (IGM) Clinical Laboratory, Nationwide Children's Hospital); PubMed 28356599 (cited by Institute for Genomic Medicine (IGM) Clinical Laboratory, Nationwide Children's Hospital).

NM_001134407.3(GRIN2A):c.3785C>G (p.Thr1262Ser)

Gene: GRIN2A (glutamate ionotropic receptor NMDA type subunit 2A; minus strand). Cytogenetic location: 16p13.2.
Variant type: single nucleotide variant.
Coding change: c.3785C>G on transcript NM_001134407.3 (MANE Select); coding-DNA position 3785, C replaced by G.
Protein change: p.Thr1262Ser; replaces threonine 1262 with serine.
Molecular consequence: missense variant. On other transcripts: intron variant (1).
Genome position (GRCh38, 1-based): chr16:9,763,759, G>C on the plus strand (C>G on the coding strand, the complement: GRIN2A is on the minus strand). VCF-style: chr16-9763759-G-C. GRCh37 (hg19) VCF-style: chr16-9857616-G-C.
Other names: c.3785C>G, p.Thr1262Ser (NM_000833.5); c.3772+13C>G (NM_001134408.2); short protein forms T1262S.
Identifiers: ClinVar variation 2862842 (VCV002862842.4), dbSNP rs587780351, ClinGen allele CA7896257.
Genomic context (GRCh38, chr16:9,763,759, plus strand): 5'-TTCTTTTGTAATTGAAGGGCATTGTTCTGTGCCCAGTCCTGCTGGTAGACCTGCTCCCCG[G>C]TGGCTGGGTTACCTGTCTCCTGAAGCATCTGGTCTTCATCGATGTCATAGAGGTTCCCCA-3'
Protein context (NP_001127879.1, residues 1252-1272): QMLQETGNPA[Thr1262Ser]GEQVYQQDWA